The following is an entry in ClinVar:

NM_175607.3(CNTN4):c.1551A>G (p.Leu517=)

Gene: CNTN4 (contactin 4; plus strand). Cytogenetic location: 3p26.2.
Variant type: single nucleotide variant.
Coding change: c.1551A>G on transcript NM_175607.3 (MANE Select); coding-DNA position 1551, A replaced by G.
Protein change: p.Leu517=; no amino-acid change (leucine 517 retained).
Molecular consequence: synonymous variant.
Genome position (GRCh38, 1-based): chr3:3,026,166, A>G. VCF-style: chr3-3026166-A-G. GRCh37 (hg19) VCF-style: chr3-3067850-A-G.
Other names: c.1551A>G, p.Leu517= (NM_001206955.2, NM_001350095.2); c.567A>G, p.Leu189= (NM_001206956.2, NM_175613.3).
Identifiers: ClinVar variation 1291783 (VCV001291783.5), dbSNP rs7629924, ClinGen allele CA2227409.

ClinVar aggregate classification (germline): Benign. Review status: criteria provided, multiple submitters, no conflicts (2 of 4 stars). 3 submissions from 3 submitters: Benign (2). 1 of the submissions does not count toward it. Last evaluated 2021-06-09.

Conditions:
CNTN4-related disorder. Also called: CNTN4-related condition.

Allele frequency attached by ClinVar (database versions not stated): gnomAD exomes 0.09692 and 0.11123; ExAC 0.11294; gnomAD 0.14823 and 0.15185; 1000 Genomes Project 0.15435; 1000 Genomes Project 30x 0.15756; TOPMed 0.16073; ESP Exome Variant Server 0.16108.
gnomAD v4.1: 164,901 of 1,612,086 alleles (10%); highest among the groups gnomAD compares: African/African-American, 29%; 10,176 homozygotes.

Submissions (3):

GeneDx
Classification: Benign. Last evaluated: 2021-06-09. Review status: criteria provided, single submitter. Criteria: GeneDx Variant Classification Process June 2021. Collection method: clinical testing. Allele origin: germline. Affected: yes.

Breakthrough Genomics
Classification: Benign. Review status: criteria provided, single submitter. Criteria: ACMG Guidelines, 2015. Collection method: not provided. Allele origin: germline. Inheritance: Unknown mechanism. Affected: yes.

PreventionGenetics, part of Exact Sciences
Classification: Benign for CNTN4-related condition. Last evaluated: 2019-11-26. Review status: no assertion criteria provided. Collection method: clinical testing. Allele origin: germline. Not counted in ClinVar's aggregate classification.
Comment: This variant is classified as benign based on ACMG/AMP sequence variant interpretation guidelines (Richards et al. 2015 PMID: 25741868, with internal and published modifications).